The following is an entry in ClinVar:

NM_000059.4(BRCA2):c.2233A>G (p.Lys745Glu)

Gene: BRCA2 (BRCA2 DNA repair associated; plus strand). Cytogenetic location: 13q13.1.
Variant type: single nucleotide variant.
Coding change: c.2233A>G on transcript NM_000059.4 (MANE Select); coding-DNA position 2233, A replaced by G.
Protein change: p.Lys745Glu; replaces lysine 745 with glutamic acid.
Molecular consequence: missense variant.
Genome position (GRCh38, 1-based): chr13:32,336,588, A>G. VCF-style: chr13-32336588-A-G. GRCh37 (hg19) VCF-style: chr13-32910725-A-G.
Other names: p.K745E:AAA>GAA; short protein forms K745E.
Identifiers: ClinVar variation 141961 (VCV000141961.40), dbSNP rs374691587, ClinGen allele CA014707.

ClinVar aggregate classification (germline): Conflicting classifications of pathogenicity. Review status: criteria provided, conflicting classifications (1 of 4 stars). 13 submissions from 13 submitters: Uncertain significance (6); Likely benign (5). 2 of the submissions do not count toward it. Last evaluated 2026-01-26.

Conditions:
BRCA2-related disorder. Also called: BRCA2-related condition; BRCA2-related disorders. Identifiers: MedGen CN239275.
BRCA2-related cancer predisposition. Identifiers: MedGen CN377758, MONDO:0700269.
Hereditary cancer-predisposing syndrome. Also called: Tumor predisposition; Neoplastic Syndromes, Hereditary; Hereditary neoplastic syndrome; Hereditary Cancer Syndrome. Identifiers: Orphanet 140162, MedGen C0027672, MeSH D009386, MONDO:0015356.
Hereditary breast ovarian cancer syndrome. Also called: Hereditary breast and ovarian cancer syndrome; Hereditary breast and ovarian cancer; Hereditary breast and ovarian cancer syndrome (HBOC); Hereditary breast and/or ovarian cancer syndrome; BRCA1- and BRCA2-Associated Hereditary Breast and Ovarian Cancer; Breast and ovarian cancer. Identifiers: Orphanet 145, MedGen C0677776, MeSH D061325, MONDO:0003582. Disease mechanism: loss of function.
Breast-ovarian cancer, familial, susceptibility to, 2 (BROVCA2). Also called: BRCA2 Hereditary Breast and Ovarian Cancer. Identifiers: Orphanet 145, MedGen C2675520, MONDO:0012933, OMIM 612555. Disease mechanism: loss of function.

Allele frequency attached by ClinVar (database versions not stated): ExAC 0.00001; gnomAD exomes 0.00001 and 0.00002; ESP Exome Variant Server 0.00008; gnomAD 0.00009; TOPMed 0.00012; 1000 Genomes Project 30x 0.00016; 1000 Genomes Project 0.00020.
gnomAD v4.1: 35 of 1,614,142 alleles (0.0022%); highest among the groups gnomAD compares: African/African-American, 0.039%; no homozygotes.

Submissions (13):

Labcorp Genetics (formerly Invitae), Labcorp
Classification: Likely benign for Hereditary breast ovarian cancer syndrome. Last evaluated: 2026-01-26. Review status: criteria provided, single submitter. Criteria: Invitae Variant Classification Sherloc (09022015). Collection method: clinical testing. Allele origin: germline.

PreventionGenetics, part of Exact Sciences
Classification: Likely benign for BRCA2-related condition. Last evaluated: 2025-11-02. Review status: criteria provided, single submitter. Criteria: ACMG Guidelines, 2015. Collection method: clinical testing. Allele origin: germline.
Comment: This variant is classified as likely benign based on ACMG/AMP sequence variant interpretation guidelines (Richards et al. 2015 PMID: 25741868, with internal and published modifications).

Quest Diagnostics Nichols Institute San Juan Capistrano
Classification: Uncertain significance. Last evaluated: 2025-06-16. Review status: criteria provided, single submitter. Criteria: Quest Diagnostics criteria. Collection method: clinical testing. Allele origin: unknown.
Comment: The BRCA2 c.2233A>G (p.Lys745Glu) variant has been reported in the published literature in individuals with breast cancer (PMID: 26287763 (2015), 22034289 (2012), 20051372 (2010), 18284688 (2008), 35264596 (2022)), and described to be located in a region of the BRCA2 gene that is tolerant to missense sequence changes (PMID: 31911673 (2020)). The frequency of this variant in the general population (Genome Aggregation Database) is uninformative in the assessment of its pathogenicity. Analysis of this variant using bioinformatics tools for the prediction of the effect of amino acid changes on protein structure and function yielded predictions that this variant is benign. Based on the available information, we are unable to determine the clinical significance of this variant.

All of Us Research Program, National Institutes of Health
Classification: Uncertain significance for BRCA2-related cancer predisposition. Last evaluated: 2024-07-29. Review status: criteria provided, single submitter. Criteria: ACMG Guidelines, 2015. Collection method: clinical testing. Allele origin: germline. Inheritance: Autosomal dominant inheritance. Observed: 9 variant alleles, 9 heterozygotes.
Comment: This missense variant replaces lysine with glutamic acid at codon 745 of the BRCA2 protein. Computational prediction suggests that this variant may not impact protein structure and function (internally defined REVEL score threshold <= 0.5, PMID: 27666373). To our knowledge, functional studies have not been reported for this variant. This variant has been reported in individuals affected with breast cancer (PMID: 18284688, 22034289, 35264596). This variant has been identified in 7/282666 chromosomes in the general population by the Genome Aggregation Database (gnomAD). The available evidence is insufficient to determine the role of this variant in disease conclusively. Therefore, this variant is classified as a Variant of Uncertain Significance.

This study involves interpretation of variants in research participants for the purpose of population health screening. Participant phenotype was not available at the time of variant classification. Additional details can be found in publication PMID: 35346344, PMCID: PMC8962531

Color Diagnostics, LLC DBA Color Health
Classification: Uncertain significance for Hereditary cancer-predisposing syndrome. Last evaluated: 2024-07-17. Review status: criteria provided, single submitter. Criteria: ACMG Guidelines, 2015. Collection method: clinical testing. Allele origin: germline.
Comment: This missense variant replaces lysine with glutamic acid at codon 745 of the BRCA2 protein. Computational prediction suggests that this variant may not impact protein structure and function. To our knowledge, functional studies have not been reported for this variant. This variant has been reported in individuals affected with breast cancer (PMID: 18284688, 22034289, 35264596). This variant has been identified in 7/282666 chromosomes in the general population by the Genome Aggregation Database (gnomAD). The available evidence is insufficient to determine the role of this variant in disease conclusively. Therefore, this variant is classified as a Variant of Uncertain Significance.

University of Washington Department of Laboratory Medicine, University of Washington
Classification: Likely benign for Hereditary cancer-predisposing syndrome. Last evaluated: 2023-03-23. Review status: criteria provided, single submitter. Criteria: Dines et al. (Genet Med. 2020). Collection method: curation. Allele origin: germline.
Comment: Missense variant in a coldspot region where missense variants are very unlikely to be pathogenic (PMID:31911673).

BRCA2 exon 11 coldspot. Reclassification based on statistical prior probability.

Women's Health and Genetics/Laboratory Corporation of America, LabCorp
Classification: Uncertain significance. Last evaluated: 2022-12-27. Review status: criteria provided, single submitter. Criteria: LabCorp Variant Classification Summary - May 2015. Collection method: clinical testing. Allele origin: germline.
Comment: Variant summary: BRCA2 c.2233A>G (p.Lys745Glu) results in a conservative amino acid change in the encoded protein sequence. Five of five in-silico tools predict a benign effect of the variant on protein function. The variant allele was found at a frequency of 1.6e-05 in 251266 control chromosomes. The available data on variant occurrences in the general population are insufficient to allow any conclusion about variant significance. c.2233A>G has been reported in the literature in individuals affected with breast cancer (e.g. Lee_2008, Fackenthal_2012, Pal_2015, Guindalini_2022). These reports do not provide unequivocal conclusions about association of the variant with Hereditary Breast And Ovarian Cancer Syndrome. To our knowledge, no experimental evidence demonstrating an impact on protein function has been reported. Eight ClinVar submitters (evaluation after 2014) have cited the variant with conflicting assessments; five submitters classified the variant as uncertain significance, and 3 submitters classified the variant as likely benign. A multifactorial likelihood analysis did not assign an IARC class to the variant (Parsons_2019). Based on the evidence outlined above, the variant was classified as uncertain significance.

Blueprint Genetics
Classification: Uncertain significance. Last evaluated: 2022-08-08. Review status: criteria provided, single submitter. Criteria: ACMG Guidelines, 2015. Collection method: clinical testing. Allele origin: germline.

GeneDx
Classification: Likely benign. Last evaluated: 2021-04-28. Review status: criteria provided, single submitter. Criteria: GeneDx Variant Classification Process June 2021. Collection method: clinical testing. Allele origin: germline. Affected: yes.
Comment: In silico analysis supports that this missense variant does not alter protein structure/function; This variant is associated with the following publications: (PMID: 22034289, 20051372, 18284688, 31131967)

Mendelics
Classification: Uncertain significance for Breast-ovarian cancer, familial, susceptibility to, 2. Last evaluated: 2019-05-28. Review status: criteria provided, single submitter. Criteria: Mendelics Assertion Criteria 2017. Collection method: clinical testing. Allele origin: unknown.

Ambry Genetics
Classification: Likely benign for Hereditary cancer-predisposing syndrome. Last evaluated: 2018-10-30. Review status: criteria provided, single submitter. Criteria: Ambry Variant Classification Scheme 2023. Collection method: clinical testing. Allele origin: germline.

Counsyl
Classification: Uncertain significance for Breast-ovarian cancer, familial, susceptibility to, 2. Last evaluated: 2016-04-15. Review status: no assertion criteria provided. Collection method: clinical testing. Allele origin: unknown. Not counted in ClinVar's aggregate classification.

Department of Pathology and Laboratory Medicine, Sinai Health System
Classification: Uncertain significance. Review status: no assertion criteria provided. Collection method: clinical testing. Allele origin: unknown. Affected: yes. Observed: 1 variant allele. Study: The Canadian Open Genetics Repository (COGR). Not counted in ClinVar's aggregate classification.
Comment: The BRCA2 c.2233A>G variant has not been reported in the literature nor previously identified by our laboratory. This residue is not highly conserved in mammals and the variant amino acid 745Glu is present in mammals. In addition, computational analyses (SIFT, AlignGVGD) do not suggest a high likelihood of impact to the protein. However, this information is not predictive enough to rule out pathogenicity. In summary, based on the above information alone the clinical significance of this variant cannot be determined with certainty at this time although we would lean towards a more benign role for this variant. Classified under. ACMG 3

Literature cited by the submitters: PubMed 31911673 (cited by Quest Diagnostics Nichols Institute San Juan Capistrano); PubMed 35264596 (cited by 4 submitters); PubMed 26287763 (cited by Quest Diagnostics Nichols Institute San Juan Capistrano and Women's Health and Genetics/Laboratory Corporation of America, LabCorp); PubMed 18284688 (cited by 5 submitters); PubMed 31131967 (cited by Quest Diagnostics Nichols Institute San Juan Capistrano and Women's Health and Genetics/Laboratory Corporation of America, LabCorp); PubMed 22034289 (cited by 6 submitters); PubMed 20051372 (cited by Quest Diagnostics Nichols Institute San Juan Capistrano and Women's Health and Genetics/Laboratory Corporation of America, LabCorp).